The following is an entry in ClinVar:

NM_005902.4(SMAD3):c.514C>T (p.Pro172Ser)

Gene: SMAD3 (SMAD family member 3; plus strand). Cytogenetic location: 15q22.33.
Variant type: single nucleotide variant.
Coding change: c.514C>T on transcript NM_005902.4 (MANE Select); coding-DNA position 514, C replaced by T.
Protein change: p.Pro172Ser; replaces proline 172 with serine.
Molecular consequence: missense variant. On other transcripts: intron variant (2).
Genome position (GRCh38, 1-based): chr15:67,165,366, C>T. VCF-style: chr15-67165366-C-T. GRCh37 (hg19) VCF-style: chr15-67457704-C-T.
Other names: c.199C>T, p.Pro67Ser (NM_001145102.2, NM_001407016.1); c.382C>T, p.Pro128Ser (NM_001145103.2); c.514C>T, p.Pro172Ser (NM_001407011.1, NM_001407013.1); c.367C>T, p.Pro123Ser (NM_001407014.1); c.400+278C>T (NM_001407012.1); c.85+278C>T (NM_001407015.1); short protein forms P128S, P172S, P67S, P123S.
Identifiers: ClinVar variation 2562309 (VCV002562309.5), dbSNP rs1270739064, ClinGen allele CA392954473.

ClinVar aggregate classification (germline): Uncertain significance. Review status: criteria provided, multiple submitters, no conflicts (2 of 4 stars). 3 submissions from 3 submitters: Uncertain significance (3). Last evaluated 2025-04-15.

Conditions:
Familial thoracic aortic aneurysm and aortic dissection (TAAD). Also called: Thoracic aortic aneurysms and dissections. Identifiers: Orphanet 91387, MedGen C4707243, MONDO:0019625.

Allele frequency attached by ClinVar (database versions not stated): TOPMed below 0.00001; gnomAD 0.00001.
gnomAD v4.1: 2 of 1,614,076 alleles (0.00012%); highest among the groups gnomAD compares: African/African-American, 0.0027%; no homozygotes.

Submissions (3):

GeneDx
Classification: Uncertain significance. Last evaluated: 2025-04-15. Review status: criteria provided, single submitter. Criteria: GeneDx Variant Classification Process June 2021. Collection method: clinical testing. Allele origin: germline. Affected: yes.
Comment: Not observed at significant frequency in large population cohorts (gnomAD); In silico analysis supports that this missense variant has a deleterious effect on protein structure/function; Has not been previously published as pathogenic or benign to our knowledge

Labcorp Genetics (formerly Invitae), Labcorp
Classification: Uncertain significance for Familial thoracic aortic aneurysm and aortic dissection. Last evaluated: 2024-03-21. Review status: criteria provided, single submitter. Criteria: Invitae Variant Classification Sherloc (09022015). Collection method: clinical testing. Allele origin: germline.
Comment: This sequence change replaces proline, which is neutral and non-polar, with serine, which is neutral and polar, at codon 172 of the SMAD3 protein (p.Pro172Ser). This variant is not present in population databases (gnomAD no frequency). This variant has not been reported in the literature in individuals affected with SMAD3-related conditions. ClinVar contains an entry for this variant (Variation ID: 2562309). Advanced modeling of protein sequence and biophysical properties (such as structural, functional, and spatial information, amino acid conservation, physicochemical variation, residue mobility, and thermodynamic stability) performed at Invitae indicates that this missense variant is not expected to disrupt SMAD3 protein function with a negative predictive value of 80%. In summary, the available evidence is currently insufficient to determine the role of this variant in disease. Therefore, it has been classified as a Variant of Uncertain Significance.

Ambry Genetics
Classification: Uncertain significance for Familial thoracic aortic aneurysm and aortic dissection. Last evaluated: 2023-05-11. Review status: criteria provided, single submitter. Criteria: Ambry Variant Classification Scheme 2023. Collection method: clinical testing. Allele origin: germline.
Comment: The p.P172S variant (also known as c.514C>T), located in coding exon 3 of the SMAD3 gene, results from a C to T substitution at nucleotide position 514. The proline at codon 172 is replaced by serine, an amino acid with similar properties. This amino acid position is conserved. In addition, this alteration is predicted to be deleterious by in silico analysis. Since supporting evidence is limited at this time, the clinical significance of this alteration remains unclear.